The following is an entry in ClinVar:

ClinVar aggregate classification (germline): Likely benign. Review status: criteria provided, multiple submitters, no conflicts (2 of 4 stars). 5 submissions from 5 submitters: Likely benign (4). 1 of the submissions does not count toward it. Last evaluated 2025-10-31.

Conditions:
MYH7-related disorder. Also called: MYH7-related disorders; MYH7-related condition; MYH7-related disease.
Cardiovascular phenotype. Identifiers: MedGen CN230736.
Cardiomyopathy (CMYO). Also called: Cardiomyopathies. Identifiers: Orphanet 167848, MedGen C0878544, MONDO:0004994, HP:0001638. Inheritance: Various modes of inheritance.
Hypertrophic cardiomyopathy. Also called: HYPERTROPHIC MYOCARDIOPATHY. Identifiers: Orphanet 217569, MedGen C0007194, MeSH D002312, MONDO:0005045, HP:0001639.

Allele frequency attached by ClinVar (database versions not stated): TOPMed below 0.00001; gnomAD exomes 0.00001 and 0.00002; gnomAD 0.00002.
gnomAD v4.1: 18 of 1,614,114 alleles (0.0011%); highest among the groups gnomAD compares: East Asian, 0.0089%; no homozygotes.

Submissions (5):

Labcorp Genetics (formerly Invitae), Labcorp
Classification: Likely benign for Hypertrophic cardiomyopathy. Last evaluated: 2025-10-31. Review status: criteria provided, single submitter. Criteria: Invitae Variant Classification Sherloc (09022015). Collection method: clinical testing. Allele origin: germline.

Color Diagnostics, LLC DBA Color Health
Classification: Likely benign for Cardiomyopathy. Last evaluated: 2020-10-06. Review status: criteria provided, single submitter. Criteria: ACMG Guidelines, 2015. Collection method: clinical testing. Allele origin: germline.

Ambry Genetics
Classification: Likely benign for Cardiovascular phenotype. Last evaluated: 2019-06-14. Review status: criteria provided, single submitter. Criteria: Ambry Variant Classification Scheme 2023. Collection method: clinical testing. Allele origin: germline.

Laboratory for Molecular Medicine, Mass General Brigham Personalized Medicine
Classification: Likely benign. Last evaluated: 2015-09-29. Review status: criteria provided, single submitter. Criteria: LMM Criteria. Collection method: clinical testing. Allele origin: germline. Observed: 1 variant allele.
Comment: p.Ala1762Ala in exon 37 of MYH7: This variant is not expected to have clinical s ignificance because it does not alter an amino acid residue and is not located w ithin the splice consensus sequence. It has been identified in 1/16512 South Asi an chromosomes and 1/8654 East Asian chromosomes by the Exome Aggregation Consor tium (ExAC; dbSNP rs771432461).

PreventionGenetics, part of Exact Sciences
Classification: Likely benign for MYH7-related condition. Last evaluated: 2021-08-16. Review status: no assertion criteria provided. Collection method: clinical testing. Allele origin: germline. Not counted in ClinVar's aggregate classification.
Comment: This variant is classified as likely benign based on ACMG/AMP sequence variant interpretation guidelines (Richards et al. 2015 PMID: 25741868, with internal and published modifications).

NM_000257.4(MYH7):c.5286C>T (p.Ala1762=)

Genes: MYH7 (myosin heavy chain 7; minus strand), LOC126861897 (BRD4-independent group 4 enhancer GRCh37_chr14:23884455-23885654; plus strand). Cytogenetic location: 14q11.2.
Variant type: single nucleotide variant.
Coding change: c.5286C>T on transcript NM_000257.4 (MANE Select); coding-DNA position 5286, C replaced by T.
Protein change: p.Ala1762=; no amino-acid change (alanine 1762 retained).
Molecular consequence: synonymous variant.
Genome position (GRCh38, 1-based): chr14:23,415,268, G>A on the plus strand (C>T on the coding strand, the complement: MYH7 is on the minus strand). VCF-style: chr14-23415268-G-A. GRCh37 (hg19) VCF-style: chr14-23884477-G-A.
Identifiers: ClinVar variation 227599 (VCV000227599.21), dbSNP rs771432461, ClinGen allele CA046092.